The following is an entry in ClinVar:

ClinVar aggregate classification (germline): Uncertain significance. Review status: criteria provided, multiple submitters, no conflicts (2 of 4 stars). 2 submissions from 2 submitters: Uncertain significance (2). Last evaluated 2026-08-22.

Conditions:
KCNT1-related disorder. Also called: KCNT1-related condition.
Developmental and epileptic encephalopathy, 14 (DEE14). Also called: Early infantile epileptic encephalopathy 14. Identifiers: Orphanet 293181, MedGen C3554195, MONDO:0013989, OMIM 614959.
Autosomal dominant nocturnal frontal lobe epilepsy 5. Also called: Epilepsy, nocturnal frontal lobe, 5; KCNT1-Related Epilepsy; CILIARY DYSKINESIA, PRIMARY, 28, WITHOUT SITUS INVERSUS; CILIARY DYSKINESIA, PRIMARY, 28, WITH SITUS INVERSUS. Identifiers: Orphanet 98784, MedGen C3554306, MONDO:0014002, OMIM 615005.

Allele frequency attached by ClinVar (database versions not stated): gnomAD exomes below 0.00001; ExAC 0.00001; gnomAD 0.00001; TOPMed 0.00002.
gnomAD v4.1: 8 of 1,612,644 alleles (0.0005%); highest among the groups gnomAD compares: East Asian, 0.0022%; no homozygotes.

Submissions (2):

PreventionGenetics, part of Exact Sciences
Classification: Uncertain significance for KCNT1-related condition. Last evaluated: 2026-08-22. Review status: criteria provided, single submitter. Criteria: ACMG Guidelines, 2015. Collection method: clinical testing. Allele origin: germline.
Comment: The KCNT1 c.3067G>A variant is predicted to result in the amino acid substitution p.Gly1023Ser. To our knowledge, this variant has not been reported in the literature. This variant is reported in 0.00089% of alleles in individuals of European (Non-Finnish) descent in gnomAD. At this time, the clinical significance of this variant is uncertain due to the absence of conclusive functional and genetic evidence.

Labcorp Genetics (formerly Invitae), Labcorp
Classification: Uncertain significance for Autosomal dominant nocturnal frontal lobe epilepsy 5; Developmental and epileptic encephalopathy, 14. Last evaluated: 2021-07-16. Review status: criteria provided, single submitter. Criteria: Invitae Variant Classification Sherloc (09022015). Collection method: clinical testing. Allele origin: germline.
Comment: In summary, the available evidence is currently insufficient to determine the role of this variant in disease. Therefore, it has been classified as a Variant of Uncertain Significance. Algorithms developed to predict the effect of sequence changes on RNA splicing suggest that this variant may create or strengthen a splice site. Advanced modeling of protein sequence and biophysical properties (such as structural, functional, and spatial information, amino acid conservation, physicochemical variation, residue mobility, and thermodynamic stability) performed at Invitae indicates that this missense variant is expected to disrupt KCNT1 protein function. This variant has not been reported in the literature in individuals affected with KCNT1-related conditions. This variant is present in population databases (rs754128567, ExAC 0.002%). This sequence change replaces glycine with serine at codon 1023 of the KCNT1 protein (p.Gly1023Ser). The glycine residue is highly conserved and there is a small physicochemical difference between glycine and serine.

NM_020822.3(KCNT1):c.3067G>A (p.Gly1023Ser)

Gene: KCNT1 (potassium sodium-activated channel subfamily T member 1; plus strand). Cytogenetic location: 9q34.3.
Variant type: single nucleotide variant.
Coding change: c.3067G>A on transcript NM_020822.3 (MANE Select); coding-DNA position 3067, G replaced by A.
Protein change: p.Gly1023Ser; replaces glycine 1023 with serine.
Molecular consequence: missense variant.
Genome position (GRCh38, 1-based): chr9:135,784,800, G>A. VCF-style: chr9-135784800-G-A. GRCh37 (hg19) VCF-style: chr9-138676646-G-A.
Other names: c.3067G>A (NM_020822.2); c.2932G>A, p.Gly978Ser (NM_001272003.2); short protein forms G978S, G1023S.
Identifiers: ClinVar variation 1402473 (VCV001402473.9), dbSNP rs754128567, ClinGen allele CA5327605.